The following is an entry in ClinVar:

NM_000179.3(MSH6):c.264T>C (p.Cys88=)

Gene: MSH6 (mutS homolog 6; plus strand). Cytogenetic location: 2p16.3.
Variant type: single nucleotide variant.
Coding change: c.264T>C on transcript NM_000179.3 (MANE Select); coding-DNA position 264, T replaced by C.
Protein change: p.Cys88=; no amino-acid change (cysteine 88 retained).
Molecular consequence: synonymous variant. On other transcripts: 5 prime UTR variant (21), non-coding transcript variant (5), intron variant (5).
Genome position (GRCh38, 1-based): chr2:47,790,930, T>C. VCF-style: chr2-47790930-T-C. GRCh37 (hg19) VCF-style: chr2-48018069-T-C.
Other names: c.-473T>C (NM_001281493.2, NM_001406811.1, NM_001406823.1 and 1 more transcripts); c.-639T>C (NM_001281494.2); c.360T>C, p.Cys120= (NM_001406795.1, NM_001406802.1); c.264T>C, p.Cys88= (NM_001406796.1, NM_001406798.1, NM_001406800.1 and 6 more transcripts); c.-34T>C (NM_001406797.1, NM_001406801.1, NM_001406805.1 and 10 more transcripts); c.186T>C, p.Cys62= (NM_001406804.1); c.-665T>C (NM_001406807.1); c.-320T>C (NM_001406812.1); and 6 more.
Identifiers: ClinVar variation 1794325 (VCV001794325.4), dbSNP rs2104098243, ClinGen allele CA425989041.
Genomic context (GRCh38, chr2:47,790,930, plus strand): 5'-CCTTTAAGGAAACTTGACCAAATATTAACTAAGTTATGTATTTCCTTTTGGCAACAGTTG[T>C]GACTTCTCACCAGGAGATTTGGTTTGGGCCAAGATGGAGGGTTACCCCTGGTGGCCTTGT-3'
Protein context (NP_000170.1, residues 78-98): RSVAPAAPTS[Cys88=]DFSPGDLVWA

ClinVar aggregate classification (germline): Benign/Likely benign. Review status: criteria provided, multiple submitters, no conflicts (2 of 4 stars). 3 submissions from 3 submitters: Benign (1); Likely benign (2). Last evaluated 2025-09-22.

Conditions:
Hereditary cancer-predisposing syndrome. Also called: Tumor predisposition; Hereditary Cancer Syndrome; Neoplastic Syndromes, Hereditary; Hereditary neoplastic syndrome. Identifiers: Orphanet 140162, MedGen C0027672, MeSH D009386, MONDO:0015356.
Hereditary nonpolyposis colorectal neoplasms. Identifiers: MedGen C0009405, MeSH D003123.
Lynch syndrome 5 (LYNCH5). Also called: Colorectal cancer, hereditary nonpolyposis, type 5; Hereditary non-polyposis colorectal cancer, type 5. Identifiers: Orphanet 144, MedGen C1833477, MONDO:0013710, OMIM 614350. Disease mechanism: loss of function.

gnomAD v4.1: 1 of 1,614,224 alleles (0.000062%); no homozygotes.

Submissions (3):

Labcorp Genetics (formerly Invitae), Labcorp
Classification: Likely benign for Hereditary nonpolyposis colorectal neoplasms. Last evaluated: 2025-09-22. Review status: criteria provided, single submitter. Criteria: Invitae Variant Classification Sherloc (09022015). Collection method: clinical testing. Allele origin: germline.

Myriad Genetics, Inc.
Classification: Benign for Lynch syndrome 5. Last evaluated: 2024-12-18. Review status: criteria provided, single submitter. Criteria: Myriad Autosomal Dominant, Autosomal Recessive and X-Linked Classification Criteria (2023). Collection method: clinical testing. Allele origin: unknown.
Comment: This variant is considered benign. This variant is a silent/synonymous amino acid change and it is not expected to impact splicing.

Ambry Genetics
Classification: Likely benign for Hereditary cancer-predisposing syndrome. Last evaluated: 2020-07-02. Review status: criteria provided, single submitter. Criteria: Ambry Variant Classification Scheme 2023. Collection method: clinical testing. Allele origin: germline.